The following is an entry in ClinVar:

ClinVar aggregate classification (germline): Uncertain significance (1 of 4 stars; one submission).

Conditions:
Polycystic kidney disease 4 (PKD4). Also called: PKD3; POLYCYSTIC KIDNEY AND HEPATIC DISEASE 1; POLYCYSTIC KIDNEY DISEASE, INFANTILE, TYPE I; POLYCYSTIC KIDNEY DISEASE 4 WITH OR WITHOUT POLYCYSTIC LIVER DISEASE; Autosomal Recessive Polycystic Kidney Disease – PKHD1. Identifiers: MedGen C4540575, MONDO:0033004, OMIM 263200.

gnomAD v4.1: 1 of 1,614,040 alleles (0.000062%); no homozygotes.

Submission:

Myriad Genetics, Inc.
Classification: Uncertain significance for Polycystic kidney disease 4. Last evaluated: 2026-04-30. Review status: criteria provided, single submitter. Criteria: Myriad Autosomal Dominant, Autosomal Recessive and X-Linked Classification Criteria (2023). Collection method: clinical testing. Allele origin: unknown.
Comment: NM_138694.3(PKHD1):c.9589C>A(Q3197K) is a missense variant classified as a variant of uncertain significance in the context of autosomal recessive polycystic kidney disease, PKHD1-related. Q3197K has been observed in a case with relevant disease (PMID: 39473742). Relevant functional assessments of this variant are not available in the literature. Q3197K has not been observed in referenced population frequency databases. In summary, there is insufficient evidence to classify NM_138694.3(PKHD1):c.9589C>A(Q3197K) as pathogenic or benign. Please note: this variant was assessed in the context of healthy population screening.

Literature cited by the submitters: PubMed 39473742.

NM_138694.4(PKHD1):c.9589C>A (p.Gln3197Lys)

Gene: PKHD1 (PKHD1 ciliary IPT domain containing fibrocystin/polyductin; minus strand). Cytogenetic location: 6p12.3.
Variant type: single nucleotide variant.
Coding change: c.9589C>A on transcript NM_138694.4 (MANE Select); coding-DNA position 9589, C replaced by A.
Protein change: p.Gln3197Lys; replaces glutamine 3197 with lysine.
Molecular consequence: missense variant.
Genome position (GRCh38, 1-based): chr6:51,748,027, G>T on the plus strand (C>A on the coding strand, the complement: PKHD1 is on the minus strand). VCF-style: chr6-51748027-G-T. GRCh37 (hg19) VCF-style: chr6-51612825-G-T.
Other names: c.9589C>A, p.Gln3197Lys (NM_170724.3); short protein forms Q3197K.
Identifiers: ClinVar variation 5004536 (VCV005004536.1).